The following is an entry in ClinVar:

ClinVar aggregate classification (germline): Uncertain significance (1 of 4 stars; one submission).

Conditions:
Hereditary cancer-predisposing syndrome. Also called: Neoplastic Syndromes, Hereditary; Tumor predisposition; Hereditary Cancer Syndrome; Hereditary neoplastic syndrome. Identifiers: Orphanet 140162, MedGen C0027672, MeSH D009386, MONDO:0015356.

Submission:

Ambry Genetics
Classification: Uncertain significance for Hereditary cancer-predisposing syndrome. Last evaluated: 2021-02-16. Review status: criteria provided, single submitter. Criteria: Ambry Variant Classification Scheme 2023. Collection method: clinical testing. Allele origin: germline.
Comment: The c.8472_8475delAGCAinsC variant (also known as p.R2824_A2825delinsS), located in coding exon 18 of the BRCA2 gene, results from an in-frame deletion of AGCA and insertion of C at nucleotide positions 8472 to 8475. This results in the substitution of the arginine and alanine residues for a serine residue at codon 2824. The arginine at amino acid position 2824 is highly conserved in available vertebrate species. The alanine at amino acid position 2825 is poorly conserved. In addition, the in silico prediction for this alteration is inconclusive (Choi Y et al. PLoS ONE. 2012; 7(10):e46688). Since supporting evidence is limited at this time, the clinical significance of this alteration remains unclear.

NM_000059.4(BRCA2):c.8472_8475delinsC (p.Arg2824_Ala2825delinsSer)

Gene: BRCA2 (BRCA2 DNA repair associated; plus strand). Cytogenetic location: 13q13.1.
Variant type: Indel.
Coding change: c.8472_8475delinsC on transcript NM_000059.4 (MANE Select); coding-DNA positions 8472 to 8475, AGCA replaced by C.
Protein change: p.Arg2824_Ala2825delinsSer.
Molecular consequence: inframe indel.
Genome position (GRCh38, 1-based): chr13:32,370,542-32,370,545, AGCA replaced by C. VCF-style: chr13-32370542-AGCA-C. GRCh37 (hg19) VCF-style: chr13-32944679-AGCA-C.
Other names: c.8376_8379delAGCAinsC, p.Arg2792_Ala2793delinsSer (NM_001406719.1); c.8472_8475delAGCAinsC, p.Arg2824_Ala2825delinsSer (NM_001406720.1); c.3540_3543delAGCAinsC, p.Arg1180_Ala1181delinsSer (NM_001406721.1); c.2055_2058delAGCAinsC, p.Arg685_Ala686delinsSer (NM_001406722.1).
Identifiers: ClinVar variation 1763513 (VCV001763513.2), dbSNP rs2072823339, ClinGen allele CA2580087376.